The following is an entry in ClinVar:

NM_030665.4(RAI1):c.3049del (p.Ala1017fs)

Gene: RAI1 (retinoic acid induced 1; plus strand). Cytogenetic location: 17p11.2.
Variant type: Deletion.
Coding change: c.3049del on transcript NM_030665.4 (MANE Select); coding-DNA position 3049, one base deleted (G; older notation c.3049delG).
Protein change: p.Ala1017fs; shifts the reading frame from alanine 1017.
Molecular consequence: frameshift variant.
Genome position (GRCh38, 1-based): chr17:17,795,997, G deleted; the last of 3 consecutive G bases (chr17:17,795,995-17,795,997); deleting any one gives the same sequence. VCF-style (leftmost placement, unchanged base first): chr17-17795994-AG-A. GRCh37 (hg19) VCF-style: chr17-17699308-AG-A.
Other names: short protein forms A1017fs.
Identifiers: ClinVar variation 3345330 (VCV003345330.1).

ClinVar aggregate classification (germline): Likely pathogenic (0 of 4 stars; one submission).

Conditions:
RAI1-related disorder. Also called: RAI1-related condition.

Submission:

PreventionGenetics, part of Exact Sciences
Classification: Likely pathogenic for RAI1-related condition. Last evaluated: 2024-04-10. Review status: no assertion criteria provided. Collection method: clinical testing. Allele origin: germline.
Comment: The RAI1 c.3049delG variant is predicted to result in a frameshift and premature protein termination (p.Ala1017Hisfs*47). To our knowledge, this variant has not been reported in the literature or in a large population database, indicating this variant is rare. Frameshift variants in RAI1 are expected to be pathogenic. This variant is interpreted as likely pathogenic.